The following is an entry in ClinVar:

NM_001035.3(RYR2):c.7016G>C (p.Gly2339Ala)

Gene: RYR2 (ryanodine receptor 2; plus strand). Cytogenetic location: 1q43.
Variant type: single nucleotide variant.
Coding change: c.7016G>C on transcript NM_001035.3 (MANE Select); coding-DNA position 7016, G replaced by C.
Protein change: p.Gly2339Ala; replaces glycine 2339 with alanine.
Molecular consequence: missense variant.
Genome position (GRCh38, 1-based): chr1:237,639,102, G>C. VCF-style: chr1-237639102-G-C. GRCh37 (hg19) VCF-style: chr1-237802402-G-C.
Other names: short protein forms G2339A.
Identifiers: ClinVar variation 3369911 (VCV003369911.1).

ClinVar aggregate classification (germline): Uncertain significance (1 of 4 stars; one submission).

Submission:

GeneDx
Classification: Uncertain significance. Last evaluated: 2024-02-27. Review status: criteria provided, single submitter. Criteria: GeneDx Variant Classification Process June 2021. Collection method: clinical testing. Allele origin: germline. Affected: yes.
Comment: Not observed at significant frequency in large population cohorts (gnomAD); In silico analysis supports that this missense variant has a deleterious effect on protein structure/function; Has not been previously published as pathogenic or benign to our knowledge; This variant is associated with the following publications: (PMID: 19926015)